The following is an entry in ClinVar:

ClinVar aggregate classification (germline): Pathogenic (3 of 4 stars; one submission).

Conditions:
Breast-ovarian cancer, familial, susceptibility to, 1 (BROVCA1). Also called: BRCA1 Hereditary Breast and Ovarian Cancer; OVARIAN CANCER, SUSCEPTIBILITY TO. Identifiers: Orphanet 145, MedGen C2676676, MONDO:0011450, OMIM 604370. Disease mechanism: loss of function.

Submission:

Evidence-based Network for the Interpretation of Germline Mutant Alleles (ENIGMA)
Classification: Pathogenic for Breast-ovarian cancer, familial, susceptibility to, 1. Last evaluated: 2016-10-18. Review status: reviewed by expert panel. Criteria: ENIGMA BRCA1/2 Classification Criteria (2015). Collection method: curation. Allele origin: germline.
Comment: Variant allele predicted to encode a truncated non-functional protein.

NM_007294.4(BRCA1):c.1288dup (p.Asp430fs)

Gene: BRCA1 (BRCA1 DNA repair associated; minus strand). Cytogenetic location: 17q21.31.
Variant type: Duplication.
Coding change: c.1288dup on transcript NM_007294.4 (MANE Select); coding-DNA position 1288, one base duplicated (G; older notation c.1288dupG).
Protein change: p.Asp430fs; shifts the reading frame from aspartic acid 430.
Molecular consequence: frameshift variant. On other transcripts: intron variant (137).
Genome position (GRCh38, 1-based): chr17:43,094,243, C duplicated on the plus strand (G on the coding strand, the reverse complement: BRCA1 is on the minus strand). VCF-style (leftmost placement, unchanged base first): chr17-43094242-T-TC. GRCh37 (hg19) VCF-style: chr17-41246259-T-TC.
Other names: 1408insG; c.643+501dup (NM_001408470.1, NM_001408464.1, NM_001408468.1 and 3 more transcripts); c.646+501dup (NM_001408469.1, NM_001408453.1, NM_001408461.1 and 11 more transcripts); c.784+501dup (NM_001408397.1, NM_001408401.1, NM_001408396.1 and 13 more transcripts); c.664+501dup (NM_001408436.1, NM_001408444.1, NM_001408438.1 and 12 more transcripts); c.787+501dup (NM_001407980.1, NM_001407993.1, NM_001407976.1 and 19 more transcripts); c.652+501dup (NM_001408451.1); c.523+501dup (NM_001408498.1, NM_001408501.1, NM_001408500.1 and 3 more transcripts); and 41 more; short protein forms D430fs, D383fs, D262fs, D404fs, D134fs, D319fs, D341fs, D360fs.
Identifiers: ClinVar variation 266154 (VCV000266154.4), dbSNP rs886039940, ClinGen allele CA10589950.